The following is an entry in ClinVar:

ClinVar aggregate classification (germline): Uncertain significance. Review status: criteria provided, multiple submitters, no conflicts (2 of 4 stars). 2 submissions from 2 submitters: Uncertain significance (2). Last evaluated 2025-05-23.

Conditions:
SYNE1-related disorder. Also called: SYNE1-related disease; SYNE1-related condition; SYNE1-related disorders.
Emery-Dreifuss muscular dystrophy 4, autosomal dominant (EDMD4). Also called: EMERY-DREIFUSS MUSCULAR DYSTROPHY 4 WITH VARIABLE FEATURES. Identifiers: Orphanet 261, MedGen C2751807, MONDO:0013071, OMIM 612998.
Autosomal recessive ataxia, Beauce type. Also called: Spinocerebellar ataxia, autosomal recessive 8; ATAXIA, RECESSIVE, OF BEAUCE; SYNE1 Deficiency; SYNE1-Related Autosomal Recessive Cerebellar Ataxia. Identifiers: Orphanet 88644, MedGen C1853116, MONDO:0012549, OMIM 610743.

Allele frequency attached by ClinVar (database versions not stated): gnomAD exomes below 0.00001; gnomAD 0.00001; TOPMed 0.00001.
gnomAD v4.1: 2 of 1,614,018 alleles (0.00012%); highest among the groups gnomAD compares: African/African-American, 0.0013%; no homozygotes.

Submissions (2):

PreventionGenetics, part of Exact Sciences
Classification: Uncertain significance for SYNE1-related condition. Last evaluated: 2025-05-23. Review status: criteria provided, single submitter. Criteria: ACMG Guidelines, 2015. Collection method: clinical testing. Allele origin: germline.
Comment: The SYNE1 c.6419A>G variant is predicted to result in the amino acid substitution p.Asn2140Ser. To our knowledge, this variant has not been reported in the literature or in a large population database (gnomAD), indicating this variant is rare. At this time, the clinical significance of this variant is uncertain due to the absence of conclusive functional and genetic evidence.

Labcorp Genetics (formerly Invitae), Labcorp
Classification: Uncertain significance for Emery-Dreifuss muscular dystrophy 4, autosomal dominant; Autosomal recessive ataxia, Beauce type. Last evaluated: 2023-08-10. Review status: criteria provided, single submitter. Criteria: Invitae Variant Classification Sherloc (09022015). Collection method: clinical testing. Allele origin: germline.
Comment: This variant is not present in population databases (gnomAD no frequency). This sequence change replaces asparagine, which is neutral and polar, with serine, which is neutral and polar, at codon 2140 of the SYNE1 protein (p.Asn2140Ser). This variant has not been reported in the literature in individuals affected with SYNE1-related conditions. ClinVar contains an entry for this variant (Variation ID: 2187878). In summary, the available evidence is currently insufficient to determine the role of this variant in disease. Therefore, it has been classified as a Variant of Uncertain Significance. An algorithm developed to predict the effect of missense changes on protein structure and function (PolyPhen-2) suggests that this variant is likely to be tolerated.

NM_182961.4(SYNE1):c.6398A>G (p.Asn2133Ser)

Gene: SYNE1 (spectrin repeat containing nuclear envelope protein 1; minus strand). Cytogenetic location: 6q25.2.
Variant type: single nucleotide variant.
Coding change: c.6398A>G on transcript NM_182961.4 (MANE Select); coding-DNA position 6398, A replaced by G.
Protein change: p.Asn2133Ser; replaces asparagine 2133 with serine.
Molecular consequence: missense variant.
Genome position (GRCh38, 1-based): chr6:152,409,210, T>C on the plus strand (A>G on the coding strand, the complement: SYNE1 is on the minus strand). VCF-style: chr6-152409210-T-C. GRCh37 (hg19) VCF-style: chr6-152730345-T-C.
Other names: c.6419A>G, p.Asn2140Ser (NM_033071.5); short protein forms N2140S, N2133S.
Identifiers: ClinVar variation 2187878 (VCV002187878.5), dbSNP rs1272579666, ClinGen allele CA366126177.